The following is an entry in ClinVar:

ClinVar aggregate classification (germline): Likely benign. Review status: criteria provided, multiple submitters, no conflicts (2 of 4 stars). 3 submissions from 3 submitters: Likely benign (3). Last evaluated 2026-04-09.

Conditions:
CNNM4-related disorder. Also called: CNNM4-related condition.

Allele frequency attached by ClinVar (database versions not stated): gnomAD exomes 0.00001 and 0.00002; ExAC 0.00002; gnomAD 0.00003 and 0.00004; TOPMed 0.00006.
gnomAD v4.1: 30 of 1,614,032 alleles (0.0019%); highest among the groups gnomAD compares: African/African-American, 0.016%; no homozygotes.

Submissions (3):

PreventionGenetics, part of Exact Sciences
Classification: Likely benign for CNNM4-related condition. Last evaluated: 2026-04-09. Review status: criteria provided, single submitter. Criteria: ACMG Guidelines, 2015. Collection method: clinical testing. Allele origin: germline.
Comment: This variant is classified as likely benign based on ACMG/AMP sequence variant interpretation guidelines (Richards et al. 2015 PMID: 25741868, with internal and published modifications).

Labcorp Genetics (formerly Invitae), Labcorp
Classification: Likely benign. Last evaluated: 2025-10-22. Review status: criteria provided, single submitter. Criteria: Invitae Variant Classification Sherloc (09022015). Collection method: clinical testing. Allele origin: germline.

Blueprint Genetics
Classification: Likely benign. Last evaluated: 2024-02-05. Review status: criteria provided, single submitter. Criteria: ACMG Guidelines, 2015. Collection method: clinical testing. Allele origin: germline.

NM_020184.4(CNNM4):c.1530C>T (p.Asp510=)

Gene: CNNM4 (cyclin and CBS domain divalent metal cation transport mediator 4; plus strand). Cytogenetic location: 2q11.2.
Variant type: single nucleotide variant.
Coding change: c.1530C>T on transcript NM_020184.4 (MANE Select); coding-DNA position 1530, C replaced by T.
Protein change: p.Asp510=; no amino-acid change (aspartic acid 510 retained).
Molecular consequence: synonymous variant.
Genome position (GRCh38, 1-based): chr2:96,797,139, C>T. VCF-style: chr2-96797139-C-T. GRCh37 (hg19) VCF-style: chr2-97462876-C-T.
Other names: c.1530C>T (NM_020184.3).
Identifiers: ClinVar variation 1581300 (VCV001581300.10), dbSNP rs773821339, ClinGen allele CA1783375.